The following is an entry in ClinVar:

ClinVar aggregate classification (germline): Pathogenic. Review status: criteria provided, multiple submitters, no conflicts (2 of 4 stars). 6 submissions from 6 submitters: Pathogenic (4). 2 of the submissions do not count toward it. Last evaluated 2026-01-26.

Conditions:
ALAS2-related disorder. Also called: ALAS2-related condition.
X-linked sideroblastic anemia 1. Also called: Erythroid 5-aminolevulinate synthase deficiency; X chromosome-linked sideroblastic anemia; ANEMIA, SIDEROBLASTIC, 1, PYRIDOXINE REFRACTORY; X-linked pyridoxine-refractory sideroblastic anemia; Anemia, sideroblastic, 1; Anemia, hereditary sideroblastic 1, pyridoxine refractory. Identifiers: Orphanet 75563, MedGen C4551511, MONDO:0020721, OMIM 300751. Disease mechanism: loss of function.

gnomAD v4.1: 2 of 1,204,524 alleles (0.00017%); highest among the groups gnomAD compares: Non-Finnish European, 0.00022%; no homozygotes.

Submissions (6):

Medical and Scientific Branch, Hong Kong Genome Institute
Classification: Pathogenic for X-linked sideroblastic anemia 1. Last evaluated: 2026-01-26. Review status: criteria provided, single submitter. Criteria: ACMG Guidelines, 2015. Collection method: clinical testing. Allele origin: maternal. Affected: yes.

Labcorp Genetics (formerly Invitae), Labcorp
Classification: Pathogenic. Last evaluated: 2025-02-13. Review status: criteria provided, single submitter. Criteria: Invitae Variant Classification Sherloc (09022015). Collection method: clinical testing. Allele origin: germline.
Comment: This sequence change replaces arginine, which is basic and polar, with cysteine, which is neutral and slightly polar, at codon 452 of the ALAS2 protein (p.Arg452Cys). This variant is not present in population databases (gnomAD no frequency). This missense change has been observed in individuals with X-linked congenital sideroblastic anemia (PMID: 7592563, 21309041, 32297424). ClinVar contains an entry for this variant (Variation ID: 10485). Invitae Evidence Modeling of protein sequence and biophysical properties (such as structural, functional, and spatial information, amino acid conservation, physicochemical variation, residue mobility, and thermodynamic stability) has been performed for this missense variant. However, the output from this modeling did not meet the statistical confidence thresholds required to predict the impact of this variant on ALAS2 protein function. Experimental studies have shown that this missense change affects ALAS2 function (PMID: 22740690). This variant disrupts the p.Arg452 amino acid residue in ALAS2. Other variant(s) that disrupt this residue have been observed in individuals with ALAS2-related conditions (PMID: 7592563, 21309041, 32297424), which suggests that this may be a clinically significant amino acid residue. For these reasons, this variant has been classified as Pathogenic.

BloodGenetics
Classification: Pathogenic for X-linked sideroblastic anemia 1. Last evaluated: 2024-12-24. Review status: criteria provided, single submitter. Criteria: ACMG Guidelines, 2015. Collection method: research. Allele origin: germline. Inheritance: X-linked inheritance. Affected: yes. Observed: 1 variant allele.

GeneDx
Classification: Pathogenic. Last evaluated: 2024-02-21. Review status: criteria provided, single submitter. Criteria: GeneDx Variant Classification Process June 2021. Collection method: clinical testing. Allele origin: germline. Affected: yes.
Comment: Published functional studies demonstrate R452C interferes with the cofactor and succinyl-CoA binding ability of the ALAS2 protein (PMID: 22740690); Not observed in large population cohorts (gnomAD); In silico analysis supports that this missense variant has a deleterious effect on protein structure/function; This variant is associated with the following publications: (PMID: 7592563, 21800356, 10029606, 24323989, 21309041, 16343269, 21252495, 16540354, 22983749, 32605921, 22740690)

PreventionGenetics, part of Exact Sciences
Classification: Pathogenic for ALAS2-related condition. Last evaluated: 2024-09-16. Review status: no assertion criteria provided. Collection method: clinical testing. Allele origin: germline. Not counted in ClinVar's aggregate classification.
Comment: The ALAS2 c.1354C>T variant is predicted to result in the amino acid substitution p.Arg452Cys. This variant was reported in individuals with sideroblastic anemia (see, for example, Bottomley et al. 1995. PubMed ID: 7592563; Cotter et al. 1999. PubMed ID: 10029606; Liu et al. 2013. PubMed ID: 24323989; Ravindra et al. 2020. PubMed ID: 32605921). In vitro functional studies indicate that the p.Arg452Cys variant protein results in loss of positive cooperativity for succinyl-CoA binding and has reduced vitamin B6 affinity (Bishop et al. 2012. PubMed ID: 22740690). This variant has not been reported in a large population database, indicating this variant is rare. This variant is interpreted as pathogenic.

OMIM
Classification: Pathogenic for ANEMIA, SIDEROBLASTIC, 1. Last evaluated: 1999-03-01. Review status: no assertion criteria provided. Collection method: literature only. Allele origin: germline. Not counted in ClinVar's aggregate classification.

Literature cited by the submitters: PubMed 7592563 (cited by Labcorp Genetics (formerly Invitae), Labcorp); PubMed 21309041 (cited by Labcorp Genetics (formerly Invitae), Labcorp); PubMed 32297424 (cited by Labcorp Genetics (formerly Invitae), Labcorp); PubMed 22740690 (cited by Labcorp Genetics (formerly Invitae), Labcorp); PubMed 30376034 (cited by BloodGenetics); PubMed 16343269 (cited by BloodGenetics); PubMed 10029606 (cited by OMIM).

NM_000032.5(ALAS2):c.1354C>T (p.Arg452Cys)

Gene: ALAS2 (5'-aminolevulinate synthase 2; minus strand). Cytogenetic location: Xp11.21.
Variant type: single nucleotide variant.
Coding change: c.1354C>T on transcript NM_000032.5 (MANE Select); coding-DNA position 1354, C replaced by T.
Protein change: p.Arg452Cys; replaces arginine 452 with cysteine.
Molecular consequence: missense variant.
Genome position (GRCh38, 1-based): chrX:55,014,830, G>A on the plus strand (C>T on the coding strand, the complement: ALAS2 is on the minus strand). VCF-style: chrX-55014830-G-A. GRCh37 (hg19) VCF-style: chrX-55041263-G-A.
Other names: c.1354C>T, p.Arg452Cys (LRG_1163t1); c.1243C>T, p.Arg415Cys (NM_001037967.4); c.1315C>T, p.Arg439Cys (NM_001037968.4); short protein forms R452C, R439C, R415C.
Identifiers: ClinVar variation 10485 (VCV000010485.11), dbSNP rs137852311, ClinGen allele CA121098.